The following is an entry in ClinVar:

ClinVar aggregate classification (germline): Uncertain significance (1 of 4 stars; one submission).

Submission:

Labcorp Genetics (formerly Invitae), Labcorp
Classification: Uncertain significance. Last evaluated: 2022-08-09. Review status: criteria provided, single submitter. Criteria: Invitae Variant Classification Sherloc (09022015). Collection method: clinical testing. Allele origin: germline.
Comment: In summary, the available evidence is currently insufficient to determine the role of this variant in disease. Therefore, it has been classified as a Variant of Uncertain Significance. This sequence change creates a premature translational stop signal (p.Gly91*) in the C1QC gene. While this is not anticipated to result in nonsense mediated decay, it is expected to disrupt the last 155 amino acid(s) of the C1QC protein. This variant is not present in population databases (gnomAD no frequency). This premature translational stop signal has been observed in individual(s) with systemic lupus erythematosus (PMID: 31362757). ClinVar contains an entry for this variant (Variation ID: 1404045). Algorithms developed to predict the effect of sequence changes on RNA splicing suggest that this variant may create or strengthen a splice site.

Literature cited by the submitters: PubMed 31362757.

NM_172369.5(C1QC):c.271G>T (p.Gly91Ter)

Gene: C1QC (complement C1q C chain; plus strand). Cytogenetic location: 1p36.12.
Variant type: single nucleotide variant.
Coding change: c.271G>T on transcript NM_172369.5 (MANE Select); coding-DNA position 271, G replaced by T.
Protein change: p.Gly91Ter; replaces glycine 91 with a stop codon.
Molecular consequence: nonsense.
Genome position (GRCh38, 1-based): chr1:22,647,316, G>T. VCF-style: chr1-22647316-G-T. GRCh37 (hg19) VCF-style: chr1-22973809-G-T.
Other names: c.271G>T, p.Gly91Ter (NM_001114101.3, NM_001347619.2); c.4G>T, p.Gly2Ter (NM_001347620.2); short protein forms G2*, G91*.
Identifiers: ClinVar variation 1404045 (VCV001404045.7), dbSNP rs2148297090, ClinGen allele CA338935581.